The following is an entry in ClinVar:

NM_004006.3(DMD):c.7547C>T (p.Thr2516Ile)

Gene: DMD (dystrophin; minus strand). Cytogenetic location: Xp21.1.
Variant type: single nucleotide variant.
Coding change: c.7547C>T on transcript NM_004006.3 (MANE Select); coding-DNA position 7547, C replaced by T.
Protein change: p.Thr2516Ile; replaces threonine 2516 with isoleucine.
Molecular consequence: missense variant.
Genome position (GRCh38, 1-based): chrX:31,729,744, G>A on the plus strand (C>T on the coding strand, the complement: DMD is on the minus strand). VCF-style: chrX-31729744-G-A. GRCh37 (hg19) VCF-style: chrX-31747861-G-A.
Other names: c.7523C>T, p.Thr2508Ile (NM_000109.4); c.7535C>T, p.Thr2512Ile (NM_004009.3); c.7178C>T, p.Thr2393Ile (NM_004010.3); c.3524C>T, p.Thr1175Ile (NM_004011.4); c.3515C>T, p.Thr1172Ile (NM_004012.4); c.167C>T, p.Thr56Ile (NM_004013.3, NM_004020.4, NM_004021.3 and 2 more transcripts); short protein forms T1172I, T2393I, T2508I, T56I, T1175I, T2512I, T2516I.
Identifiers: ClinVar variation 3012470 (VCV003012470.3), dbSNP rs2530035944, ClinGen allele CA412657726.
Genomic context (GRCh38, chrX:31,729,744, plus strand): 5'-TTTTGGGCAGCGGTAATGAGTTCTTCCAACTGGGGACGCCTCTGTTCCAAATCCTGCATT[G>A]TTGCCTGTAAGAACAAATATCCCTTAGTATCAGGGTTCTTCAGCGTTGTGTATTCCTTTT-3'
Protein context (NP_003997.2, residues 2506-2526): INEMIIKQKA[Thr2516Ile]MQDLEQRRPQ

ClinVar aggregate classification (germline): Uncertain significance (1 of 4 stars; one submission).

Conditions:
Duchenne muscular dystrophy (DMD). Also called: MUSCULAR DYSTROPHY, PSEUDOHYPERTROPHIC PROGRESSIVE, DUCHENNE TYPE; Duchenne Muscular Dystrophy (DMD). Identifiers: Orphanet 98896, MedGen C0013264, MONDO:0010679, OMIM 310200.

Submission:

Labcorp Genetics (formerly Invitae), Labcorp
Classification: Uncertain significance for Duchenne muscular dystrophy. Last evaluated: 2024-05-07. Review status: criteria provided, single submitter. Criteria: Invitae Variant Classification Sherloc (09022015). Collection method: clinical testing. Allele origin: germline.
Comment: This sequence change replaces threonine, which is neutral and polar, with isoleucine, which is neutral and non-polar, at codon 2516 of the DMD protein (p.Thr2516Ile). This variant is not present in population databases (gnomAD no frequency). This variant has not been reported in the literature in individuals affected with DMD-related conditions. Advanced modeling of protein sequence and biophysical properties (such as structural, functional, and spatial information, amino acid conservation, physicochemical variation, residue mobility, and thermodynamic stability) performed at Invitae indicates that this missense variant is not expected to disrupt DMD protein function with a negative predictive value of 95%. In summary, the available evidence is currently insufficient to determine the role of this variant in disease. Therefore, it has been classified as a Variant of Uncertain Significance.